The following is an entry in ClinVar:

ClinVar aggregate classification (germline): Uncertain significance (1 of 4 stars; one submission).

Conditions:
Cardiovascular phenotype. Identifiers: MedGen CN230736.

gnomAD v4.1: 3 of 1,614,024 alleles (0.00019%); highest among the groups gnomAD compares: South Asian, 0.0033%; no homozygotes.

Submission:

Ambry Genetics
Classification: Uncertain significance for Cardiovascular phenotype. Last evaluated: 2025-01-28. Review status: criteria provided, single submitter. Criteria: Ambry Variant Classification Scheme 2023. Collection method: clinical testing. Allele origin: germline.
Comment: The p.N110D variant (also known as c.328A>G), located in coding exon 3 of the LDLRAP1 gene, results from an A to G substitution at nucleotide position 328. The asparagine at codon 110 is replaced by aspartic acid, an amino acid with highly similar properties. This amino acid position is conserved. In addition, this alteration is predicted to be tolerated by in silico analysis. Based on the available evidence, the clinical significance of this variant remains unclear.

NM_015627.3(LDLRAP1):c.328A>G (p.Asn110Asp)

Gene: LDLRAP1 (low density lipoprotein receptor adaptor protein 1; plus strand). Cytogenetic location: 1p36.11.
Variant type: single nucleotide variant.
Coding change: c.328A>G on transcript NM_015627.3 (MANE Select); coding-DNA position 328, A replaced by G.
Protein change: p.Asn110Asp; replaces asparagine 110 with aspartic acid.
Molecular consequence: missense variant.
Genome position (GRCh38, 1-based): chr1:25,554,956, A>G. VCF-style: chr1-25554956-A-G. GRCh37 (hg19) VCF-style: chr1-25881447-A-G.
Other names: short protein forms N110D.
Identifiers: ClinVar variation 3866827 (VCV003866827.1).
Genomic context (GRCh38, chr1:25,554,956, plus strand): 5'-CTGAAGGTGTCGCCACGGGGAATTATCCTGACAGACAACCTCACCAACCAGCTCATTGAG[A>G]ACGTGTCCATATACAGGTACGCTCAGCATGGGGTTGGCCCATCCACTCTGCCACTTGGGG-3'
Protein context (NP_056442.2, residues 100-120): TDNLTNQLIE[Asn110Asp]VSIYRISYCT